The following is an entry in ClinVar:

NM_000341.4(SLC3A1):c.1085G>A (p.Arg362His)

Gene: SLC3A1 (solute carrier family 3 member 1; plus strand). Cytogenetic location: 2p21.
Variant type: single nucleotide variant.
Coding change: c.1085G>A on transcript NM_000341.4 (MANE Select); coding-DNA position 1085, G replaced by A.
Protein change: p.Arg362His; replaces arginine 362 with histidine.
Molecular consequence: missense variant.
Genome position (GRCh38, 1-based): chr2:44,301,076, G>A. VCF-style: chr2-44301076-G-A. GRCh37 (hg19) VCF-style: chr2-44528215-G-A.
Other names: short protein forms R362H.
Identifiers: ClinVar variation 18122 (VCV000018122.9), dbSNP rs121912697, ClinGen allele CA127836.

ClinVar aggregate classification (germline): Uncertain significance. Review status: criteria provided, multiple submitters, no conflicts (2 of 4 stars). 4 submissions from 4 submitters: Uncertain significance (2). 2 of the submissions do not count toward it. Last evaluated 2022-03-07.

Conditions:
Cystinuria (CSNU). Also called: CYSTINURIA, TYPE I; CYSTINURIA, TYPE II; CYSTINURIA, TYPE III; Cystinuria, non-type I. Identifiers: Orphanet 214, MedGen C0010691, MONDO:0009067, OMIM 220100, HP:0003131.

Allele frequency attached by ClinVar (database versions not stated): gnomAD 0.00001 and 0.00002; gnomAD exomes 0.00001 and 0.00004; TOPMed 0.00001; ExAC 0.00002; 1000 Genomes Project 30x 0.00031; 1000 Genomes Project 0.00040.
gnomAD v4.1: 19 of 1,614,132 alleles (0.0012%); highest among the groups gnomAD compares: East Asian, 0.0089%; no homozygotes.

Submissions (4):

Fulgent Genetics
Classification: Uncertain significance for Cystinuria. Last evaluated: 2022-03-07. Review status: criteria provided, single submitter. Criteria: ACMG Guidelines, 2015. Collection method: clinical testing. Allele origin: unknown.

Illumina Laboratory Services, Illumina
Classification: Uncertain significance for Cystinuria. Last evaluated: 2017-04-27. Review status: criteria provided, single submitter. Criteria: ICSL Variant Classification Criteria 13 December 2019. Collection method: clinical testing. Allele origin: germline.
Comment: This variant was observed as part of a predisposition screen in an ostensibly healthy population. A literature search was performed for the gene, cDNA change, and amino acid change (where applicable). Publications were found based on this search. However, the evidence from the literature, in combination with allele frequency data from public databases where available, was not sufficient to rule this variant in or out of causing disease. Therefore, this variant is classified as a variant of unknown significance.

Chinese Inherited Urolithiasis Consortium, The Affiliated Yantai Yuhuangding Hospital of Qingdao University
Classification: Pathogenic for Cystinuria. Last evaluated: 2024-08-26. Review status: no assertion criteria provided. Collection method: clinical testing. Allele origin: paternal. Affected: yes. Observed: 1 variant allele. Not counted in ClinVar's aggregate classification.

OMIM
Classification: Pathogenic for CYSTINURIA. Last evaluated: 2003-04-01. Review status: no assertion criteria provided. Collection method: literature only. Allele origin: germline. Not counted in ClinVar's aggregate classification.

Literature cited by the submitters: PubMed 19782624 (cited by Illumina Laboratory Services, Illumina); PubMed 12820697 (cited by Illumina Laboratory Services, Illumina and OMIM); PubMed 11748844 (cited by Illumina Laboratory Services, Illumina and OMIM).